The following is an entry in ClinVar:

ClinVar aggregate classification (germline): Pathogenic. Review status: criteria provided, multiple submitters, no conflicts (2 of 4 stars). 11 submissions from 11 submitters: Pathogenic (8). 3 of the submissions do not count toward it. Last evaluated 2026-09-01.

Conditions:
ATP7B-related disorder. Also called: ATP7B-related condition.
Wilson disease (WND). Also called: Wilson's disease. Identifiers: Orphanet 905, MedGen C0019202, MONDO:0010200, OMIM 277900. Disease mechanism: loss of function.

Allele frequency attached by ClinVar (database versions not stated): gnomAD exomes below 0.00001.
gnomAD v4.1: 4 of 1,613,636 alleles (0.00025%); highest among the groups gnomAD compares: Non-Finnish European, 0.00034%; no homozygotes.

Submissions (11):

CeGaT Center for Human Genetics Tuebingen
Classification: Pathogenic. Last evaluated: 2026-09-01. Review status: criteria provided, single submitter. Criteria: CeGaT Center For Human Genetics Tuebingen Variant Classification Criteria Version 2. Collection method: clinical testing. Allele origin: germline. Affected: yes. Observed: 1 variant allele.
Comment: ATP7B: PVS1, PM2, PM3

Labcorp Genetics (formerly Invitae), Labcorp
Classification: Pathogenic for Wilson disease. Last evaluated: 2025-11-09. Review status: criteria provided, single submitter. Criteria: Invitae Variant Classification Sherloc (09022015). Collection method: clinical testing. Allele origin: germline.
Comment: This sequence change affects an acceptor splice site in intron 14 of the ATP7B gene. It is expected to disrupt RNA splicing. Variants that disrupt the donor or acceptor splice site typically lead to a loss of protein function (PMID: 16199547), and loss-of-function variants in ATP7B are known to be pathogenic (PMID: 10441329, 16283883). This variant is not present in population databases (gnomAD no frequency). Disruption of this splice site has been observed in individual(s) with Wilson disease (PMID: 21796144, 29356957). ClinVar contains an entry for this variant (Variation ID: 188953). Algorithms developed to predict the effect of sequence changes on RNA splicing suggest that this variant may disrupt the consensus splice site. For these reasons, this variant has been classified as Pathogenic.

Natera, Inc.
Classification: Pathogenic for Wilson disease. Last evaluated: 2025-09-19. Review status: criteria provided, single submitter. Criteria: Natera Variant Classification Schema (03/2026). Collection method: clinical testing. Allele origin: germline.
Comment: The c.3244-2A>G variant in ATP7B is a canonical splice acceptor site variant predicted to affect pre-mRNA splicing, which may result in an abnormal transcript and altered protein product. This variant is expected to result in nonsense mediated decay, truncation, or a dysfunctional protein product. This variant is rare in the general population with a frequency below the threshold expected for the associated phenotype(s). This variant has been observed in one or more individuals affected with the associated recessive disease, as either homozygous or compound heterozygous with a second variant (PMID: 21796144, 23518715). Given the available evidence, this variant is classified as Pathogenic.

Baylor Genetics
Classification: Pathogenic for Wilson disease. Last evaluated: 2023-12-10. Review status: criteria provided, single submitter. Criteria: ACMG Guidelines, 2015. Collection method: clinical testing. Allele origin: unknown.

Mayo Clinic Laboratories, Mayo Clinic
Classification: Pathogenic. Last evaluated: 2022-09-13. Review status: criteria provided, single submitter. Criteria: ACMG Guidelines, 2015. Collection method: clinical testing. Allele origin: germline. Observed: 1 variant allele.
Comment: PP4, PM2, PM3, PS4_moderate, PVS1

Genome-Nilou Lab
Classification: Pathogenic for Wilson disease. Last evaluated: 2021-08-10. Review status: criteria provided, single submitter. Criteria: ACMG Guidelines, 2015. Collection method: clinical testing. Allele origin: germline. Affected: no.

Fulgent Genetics
Classification: Pathogenic for Wilson disease. Last evaluated: 2021-07-03. Review status: criteria provided, single submitter. Criteria: ACMG Guidelines, 2015. Collection method: clinical testing. Allele origin: unknown.

Laboratory for Molecular Medicine, Mass General Brigham Personalized Medicine
Classification: Pathogenic for Wilson disease. Last evaluated: 2020-06-11. Review status: criteria provided, single submitter. Criteria: ACMG Guidelines, 2015. Collection method: clinical testing. Allele origin: germline.
Comment: The c.3244-2A>G variant in ATP7B has been reported in several individuals with Wilson disease, including 3 individuals who were compound heterozygous for a second pathogenic ATP7B variant (Coffey 2013, Diao 2014, Wang 2011). This variant occurs within the canonical splice site (+/- 1,2) and is predicted to cause altered splicing leading to an abnormal or absent protein. Furthermore, RT-PCR performed on lymphocytes from one patient revealed altered splicing that is predicted to alter the reading frame and result in a truncated or absent protein (Diao 2014). Loss of function of the ATP7B gene is an established disease mechanism in autosomal recessive Wilson disease. In summary, this variant meets criteria to be classified as pathogenic for autosomal recessive Wilson disease. ACMG/AMP criteria applied: PVS1_Strong, PS3_Supporting, PM3_Strong, PM2, PP4.

PreventionGenetics, part of Exact Sciences
Classification: Pathogenic for ATP7B-related condition. Last evaluated: 2024-04-09. Review status: no assertion criteria provided. Collection method: clinical testing. Allele origin: germline. Not counted in ClinVar's aggregate classification.
Comment: The ATP7B c.3244-2A>G variant is predicted to disrupt the AG splice acceptor site and interfere with normal splicing. This variant has been reported, along with another pathogenic ATP7B variant, in multiple individuals with Wilson disease (Wang et al. 2011. PubMed ID: 21796144; Table S4, Zhang et al. 2022. PubMed ID: 35220961; Lepori et al. 2012. PubMed ID: 22484412; Table S2, Coffey et al. 2013. PubMed ID: 23518715). This variant has not been reported in a large population database, indicating this variant is rare. Variants that disrupt the consensus splice acceptor site in ATP7B are expected to be pathogenic. This variant is interpreted as pathogenic.

Counsyl
Classification: Likely pathogenic for Wilson's disease. Last evaluated: 2014-09-02. Review status: no assertion criteria provided. Collection method: literature only. Allele origin: unknown. Inheritance: Autosomal recessive inheritance. Not counted in ClinVar's aggregate classification.

Chongqing Key Laboratory of Child Rare Diseases in Infection and Immunity, Children’s Hospital of Chongqing Medical University
Classification: Uncertain significance for Wilson disease. Last evaluated: 2024-01-01. Review status: flagged submission. Criteria: ACMG Guidelines, 2015. Collection method: clinical testing. Allele origin: germline. Inheritance: Autosomal recessive inheritance. Affected: yes. Not counted in ClinVar's aggregate classification.
Comment: Classified as Uncertain significance according to the ACMG/AMP 2015 guidelines (PMID:25741868). The classification was based on the available submitted evidence for Wilson disease (OMIM:277900), including clinical-testing observations, variant consequence/protein annotation, and published or ClinVar evidence where available. Supporting information considered: variant annotation: Splicing; submitted notation: NM_000053.4:c.3244-2A>G; source variant type: Splicing; source domain: NA; allele count n=230: 2.
ClinVar note: Reason: Outlier claim with insufficient supporting evidence

Literature cited by the submitters: PubMed 16199547 (cited by Labcorp Genetics (formerly Invitae), Labcorp); PubMed 10441329 (cited by Labcorp Genetics (formerly Invitae), Labcorp); PubMed 16283883 (cited by Labcorp Genetics (formerly Invitae), Labcorp); PubMed 21796144 (cited by 5 submitters); PubMed 29356957 (cited by Labcorp Genetics (formerly Invitae), Labcorp and Mayo Clinic Laboratories, Mayo Clinic); PubMed 23518715 (cited by 4 submitters); PubMed 22484412 (cited by Mayo Clinic Laboratories, Mayo Clinic and Counsyl); PubMed 25086856 (cited by 3 submitters).

NM_000053.4(ATP7B):c.3244-2A>G

Gene: ATP7B (ATPase copper transporting beta; minus strand). Cytogenetic location: 13q14.3.
Variant type: single nucleotide variant.
Coding change: c.3244-2A>G on transcript NM_000053.4 (MANE Select); the canonical splice acceptor site of the intron before coding-DNA position 3244, A replaced by G.
Molecular consequence: splice acceptor variant.
Genome position (GRCh38, 1-based): chr13:51,942,556, T>C on the plus strand (A>G on the coding strand, the complement: ATP7B is on the minus strand). VCF-style: chr13-51942556-T-C. GRCh37 (hg19) VCF-style: chr13-52516692-T-C.
Other names: c.3244-2A>G (NM_001406511.1, NM_001406512.1, NM_001406526.1); c.2896-2A>G (NM_001406543.1); c.3010-2A>G (NM_001406528.1, NM_001406538.1, NM_001330578.2 and 1 more transcripts); c.3100-2A>G (NM_001406522.1, NM_001406520.1, NM_001406521.1); c.3190-2A>G (NM_001406516.1, NM_001406515.1); c.2992-2A>G (NM_001406532.1, NM_001330579.2, NM_001406531.1); c.2911-2A>G (NM_001243182.2); c.1954-2A>G (NM_001406548.1); and 19 more.
Identifiers: ClinVar variation 188953 (VCV000188953.26), dbSNP rs786204584, ClinGen allele CA274176.